The following is an entry in ClinVar:

ClinVar aggregate classification (germline): Likely benign. Review status: criteria provided, single submitter (1 of 4 stars). 2 submissions from 2 submitters: Likely benign (1). 1 of the submissions does not count toward it. Last evaluated 2025-06-15.

Conditions:
PEX10-related disorder. Also called: PEX10-related condition.
Peroxisome biogenesis disorder, complementation group 7 (CG7). Also called: Peroxisome biogenesis disorder, complementation group B. Identifiers: MedGen C1864399.

Allele frequency attached by ClinVar (database versions not stated): gnomAD exomes 0.00003 and 0.00001; gnomAD 0.00001; TOPMed 0.00002; ExAC 0.00003.

Submissions (2):

Labcorp Genetics (formerly Invitae), Labcorp
Classification: Likely benign for Peroxisome biogenesis disorder, complementation group 7. Last evaluated: 2025-06-15. Review status: criteria provided, single submitter. Criteria: Invitae Variant Classification Sherloc (09022015). Collection method: clinical testing. Allele origin: germline.

PreventionGenetics, part of Exact Sciences
Classification: Likely benign for PEX10-related condition. Last evaluated: 2021-12-10. Review status: no assertion criteria provided. Collection method: clinical testing. Allele origin: germline. Not counted in ClinVar's aggregate classification.
Comment: This variant is classified as likely benign based on ACMG/AMP sequence variant interpretation guidelines (Richards et al. 2015 PMID: 25741868, with internal and published modifications).

NM_002617.4(PEX10):c.477G>A (p.Ala159=)

Gene: PEX10 (peroxisomal biogenesis factor 10; minus strand). Cytogenetic location: 1p36.32.
Variant type: single nucleotide variant.
Coding change: c.477G>A on transcript NM_002617.4 (MANE Select); coding-DNA position 477, G replaced by A.
Protein change: p.Ala159=; no amino-acid change (alanine 159 retained).
Molecular consequence: synonymous variant. On other transcripts: non-coding transcript variant (1).
Genome position (GRCh38, 1-based): chr1:2,408,575, C>T on the plus strand (G>A on the coding strand, the complement: PEX10 is on the minus strand). VCF-style: chr1-2408575-C-T. GRCh37 (hg19) VCF-style: chr1-2340014-C-T.
Other names: c.477G>A, p.Ala159= (NM_001374425.1, NM_153818.2); c.45G>A, p.Ala15= (NM_001374426.1, NM_001374427.1); c.477G>A (NM_153818.1).
Identifiers: ClinVar variation 1096721 (VCV001096721.9), dbSNP rs755353408, ClinGen allele CA538160.